The following is an entry in ClinVar:

ClinVar aggregate classification (germline): Likely pathogenic (1 of 4 stars; one submission).

Conditions:
Usher syndrome type 3A (USH3A). Also called: USHER SYNDROME, TYPE IIIA. Identifiers: MedGen C5779850, MONDO:0010170, OMIM 276902.

Submission:

Institute of Rare Diseases, West China Hospital, Sichuan University
Classification: Likely pathogenic for Usher syndrome type 3A. Last evaluated: 2025-01-09. Review status: criteria provided, single submitter. Criteria: ClinGen HL ACMG Specifications v1. Collection method: research. Allele origin: germline. Affected: yes.
Comment: PVS1;PM2_Supporting

NM_174878.3(CLRN1):c.384del (p.Phe128fs)

Gene: CLRN1 (clarin 1; minus strand). Cytogenetic location: 3q25.1.
Variant type: Deletion.
Coding change: c.384del on transcript NM_174878.3 (MANE Select); coding-DNA position 384, one base deleted (T; older notation c.384delT).
Protein change: p.Phe128fs; shifts the reading frame from phenylalanine 128.
Molecular consequence: frameshift variant. On other transcripts: non-coding transcript variant (1), stop lost (1).
Genome position (GRCh38, 1-based): chr3:150,941,631, A deleted on the plus strand (T on the coding strand, the reverse complement: CLRN1 is on the minus strand); the first of 4 consecutive A bases (chr3:150,941,631-150,941,634); deleting any one gives the same sequence. VCF-style (leftmost placement, unchanged base first): chr3-150941630-CA-C. GRCh37 (hg19) VCF-style: chr3-150659417-CA-C.
Other names: c.384del, p.Phe128fs (NM_001195794.1); c.556del, p.Ter186GluextTer? (NM_001256819.2); c.156del, p.Phe52fs (NM_052995.2); short protein forms F128fs, F52fs.
Identifiers: ClinVar variation 3601048 (VCV003601048.1).